The following is an entry in ClinVar:

ClinVar aggregate classification (germline): Uncertain significance. Review status: criteria provided, multiple submitters, no conflicts (2 of 4 stars). 2 submissions from 2 submitters: Uncertain significance (2). Last evaluated 2024-07-31.

Conditions:
Heterotopia, periventricular, X-linked dominant (PVNH1). Also called: PERIVENTRICULAR NODULAR HETEROTOPIA 1; X-linked periventricular heterotopia; PERIVENTRICULAR NODULAR HETEROTOPIA 4; HETEROTOPIA, PERIVENTRICULAR, 1. Identifiers: Orphanet 2149, Orphanet 82004, MedGen C1848213, MONDO:0010233, OMIM 300049.
Oto-palato-digital syndrome, type II (OPD2). Also called: OPD II SYNDROME; Otopalatodigital Syndrome, Type II; Otopalatodigital Syndrome Type 2 (FLNA-OPD2); FACIOPALATOOSSEOUS SYNDROME. Identifiers: Orphanet 669, Orphanet 90652, MedGen C1844696, MONDO:0010571, OMIM 304120.
Melnick-Needles syndrome (MNS). Also called: MELNICK-NEEDLES OSTEODYSPLASTY; OSTEODYSPLASTY OF MELNICK AND NEEDLES; Melnick-Needles Syndrome (FLNA-MNS). Identifiers: Orphanet 2484, MedGen C0025237, MONDO:0010650, OMIM 309350.
Frontometaphyseal dysplasia (FMD1). Identifiers: Orphanet 1826, MedGen C0265293, MONDO:0015942.

Allele frequency attached by ClinVar (database versions not stated): gnomAD exomes below 0.00001; gnomAD 0.00001.

Submissions (2):

GeneDx
Classification: Uncertain significance. Last evaluated: 2024-07-31. Review status: criteria provided, single submitter. Criteria: GeneDx Variant Classification Process June 2021. Collection method: clinical testing. Allele origin: germline. Affected: yes.
Comment: Not observed at significant frequency in large population cohorts (gnomAD); In silico analysis supports that this missense variant has a deleterious effect on protein structure/function; Has not been previously published as pathogenic or benign to our knowledge

Labcorp Genetics (formerly Invitae), Labcorp
Classification: Uncertain significance for Oto-palato-digital syndrome, type II; Heterotopia, periventricular, X-linked dominant; Frontometaphyseal dysplasia; Melnick-Needles syndrome. Last evaluated: 2021-12-24. Review status: criteria provided, single submitter. Criteria: Invitae Variant Classification Sherloc (09022015). Collection method: clinical testing. Allele origin: germline.
Comment: This sequence change replaces glycine, which is neutral and non-polar, with aspartic acid, which is acidic and polar, at codon 2104 of the FLNA protein (p.Gly2104Asp). This variant is not present in population databases (gnomAD no frequency). This variant has not been reported in the literature in individuals affected with FLNA-related conditions. Advanced modeling of protein sequence and biophysical properties (such as structural, functional, and spatial information, amino acid conservation, physicochemical variation, residue mobility, and thermodynamic stability) performed at Invitae indicates that this missense variant is expected to disrupt FLNA protein function. In summary, the available evidence is currently insufficient to determine the role of this variant in disease. Therefore, it has been classified as a Variant of Uncertain Significance.

NM_001110556.2(FLNA):c.6335G>A (p.Gly2112Asp)

Gene: FLNA (filamin A; minus strand). Cytogenetic location: Xq28.
Variant type: single nucleotide variant.
Coding change: c.6335G>A on transcript NM_001110556.2 (MANE Select); coding-DNA position 6335, G replaced by A.
Protein change: p.Gly2112Asp; replaces glycine 2112 with aspartic acid.
Molecular consequence: missense variant.
Genome position (GRCh38, 1-based): chrX:154,352,816, C>T on the plus strand (G>A on the coding strand, the complement: FLNA is on the minus strand). VCF-style: chrX-154352816-C-T. GRCh37 (hg19) VCF-style: chrX-153581184-C-T.
Other names: c.6311G>A, p.Gly2104Asp (NM_001456.4); short protein forms G2104D, G2112D.
Identifiers: ClinVar variation 1329705 (VCV001329705.7), dbSNP rs2067630528, ClinGen allele CA415193457.